The following is an entry in ClinVar:

NM_005548.3(KARS1):c.382G>A (p.Val128Met)

Gene: KARS1 (lysyl-tRNA synthetase 1; minus strand). Cytogenetic location: 16q23.1.
Variant type: single nucleotide variant.
Coding change: c.382G>A on transcript NM_005548.3 (MANE Select); coding-DNA position 382, G replaced by A.
Protein change: p.Val128Met; replaces valine 128 with methionine.
Molecular consequence: missense variant. On other transcripts: 5 prime UTR variant (1).
Genome position (GRCh38, 1-based): chr16:75,640,190, C>T on the plus strand (G>A on the coding strand, the complement: KARS1 is on the minus strand). VCF-style: chr16-75640190-C-T. GRCh37 (hg19) VCF-style: chr16-75674088-C-T.
Other names: c.466G>A (NM_001130089.1); c.466G>A, p.Val156Met (NM_001130089.2); c.-87G>A (NM_001378148.1); short protein forms V128M, V156M.
Identifiers: ClinVar variation 1682445 (VCV001682445.9), dbSNP rs374126791, ClinGen allele CA8177657.

ClinVar aggregate classification (germline): Uncertain significance. Review status: criteria provided, multiple submitters, no conflicts (2 of 4 stars). 5 submissions from 5 submitters: Uncertain significance (5). Last evaluated 2024-05-30.

Conditions:
Charcot-Marie-Tooth disease recessive intermediate B. Also called: CHARCOT-MARIE-TOOTH NEUROPATHY, RECESSIVE INTERMEDIATE B. Identifiers: Orphanet 254334, MedGen C3150897, MONDO:0013338, OMIM 613641.

Allele frequency attached by ClinVar (database versions not stated): ExAC 0.00002; TOPMed 0.00003; gnomAD 0.00004; ESP Exome Variant Server 0.00008.
gnomAD v4.1: 58 of 1,613,922 alleles (0.0036%); highest among the groups gnomAD compares: Middle Eastern, 0.016%; no homozygotes.

Submissions (5):

GeneDx
Classification: Uncertain significance. Last evaluated: 2024-05-30. Review status: criteria provided, single submitter. Criteria: GeneDx Variant Classification Process June 2021. Collection method: clinical testing. Allele origin: germline. Affected: yes.
Comment: Not observed at significant frequency in large population cohorts (gnomAD); In silico analysis indicates that this missense variant does not alter protein structure/function; Has not been previously published as pathogenic or benign to our knowledge

Blueprint Genetics
Classification: Uncertain significance. Last evaluated: 2024-04-29. Review status: criteria provided, single submitter. Criteria: ACMG Guidelines, 2015. Collection method: clinical testing. Allele origin: germline.

Labcorp Genetics (formerly Invitae), Labcorp
Classification: Uncertain significance. Last evaluated: 2023-09-03. Review status: criteria provided, single submitter. Criteria: Invitae Variant Classification Sherloc (09022015). Collection method: clinical testing. Allele origin: germline.
Comment: Advanced modeling of protein sequence and biophysical properties (such as structural, functional, and spatial information, amino acid conservation, physicochemical variation, residue mobility, and thermodynamic stability) performed at Invitae indicates that this missense variant is not expected to disrupt KARS protein function. In summary, the available evidence is currently insufficient to determine the role of this variant in disease. Therefore, it has been classified as a Variant of Uncertain Significance. ClinVar contains an entry for this variant (Variation ID: 1682445). This variant has not been reported in the literature in individuals affected with KARS-related conditions. This variant is present in population databases (rs374126791, gnomAD 0.002%). This sequence change replaces valine, which is neutral and non-polar, with methionine, which is neutral and non-polar, at codon 156 of the KARS protein (p.Val156Met).

Baylor Genetics
Classification: Uncertain significance for Charcot-Marie-Tooth disease recessive intermediate B. Last evaluated: 2021-06-09. Review status: criteria provided, single submitter. Criteria: ACMG Guidelines, 2015. Collection method: clinical testing. Allele origin: unknown.

Breakthrough Genomics
Classification: Uncertain significance. Review status: criteria provided, single submitter. Criteria: ACMG Guidelines, 2015. Collection method: not provided. Allele origin: germline. Inheritance: Autosomal recessive inheritance. Affected: yes.